The following is an entry in ClinVar:

NM_001165963.4(SCN1A):c.611C>T (p.Thr204Ile)

Gene: SCN1A (sodium voltage-gated channel alpha subunit 1; minus strand). Cytogenetic location: 2q24.3.
Variant type: single nucleotide variant.
Coding change: c.611C>T on transcript NM_001165963.4 (MANE Select); coding-DNA position 611, C replaced by T.
Protein change: p.Thr204Ile; replaces threonine 204 with isoleucine.
Molecular consequence: missense variant. On other transcripts: 5 prime UTR variant (1), non-coding transcript variant (1).
Genome position (GRCh38, 1-based): chr2:166,052,935, G>A on the plus strand (C>T on the coding strand, the complement: SCN1A is on the minus strand). VCF-style: chr2-166052935-G-A. GRCh37 (hg19) VCF-style: chr2-166909445-G-A.
Other names: c.611C>T, p.Thr204Ile (NM_001165964.3, NM_001202435.3, NM_001353948.2 and 10 more transcripts); c.-1815C>T (NM_001353961.2); short protein forms T204I.
Identifiers: ClinVar variation 3793180 (VCV003793180.3).

ClinVar aggregate classification (germline): Conflicting classifications of pathogenicity. Review status: criteria provided, conflicting classifications (1 of 4 stars). 2 submissions from 2 submitters: Likely pathogenic (1); Uncertain significance (1). Last evaluated 2025-05-23.

Conditions:
Inborn genetic diseases. Identifiers: MedGen C0950123, MeSH D030342.

Submissions (2):

Ambry Genetics
Classification: Likely pathogenic for Inborn genetic diseases. Last evaluated: 2025-05-23. Review status: criteria provided, single submitter. Criteria: Ambry Variant Classification Scheme 2023. Collection method: clinical testing. Allele origin: germline.
Comment: The c.611C>T (p.T204I) alteration is located in exon 5 (coding exon 5) of the SCN1A gene. This alteration results from a C to T substitution at nucleotide position 611, causing the threonine (T) at amino acid position 204 to be replaced by an isoleucine (I). for SCN1A-related seizure disorders; however, its clinical significance for SCN1A-related hemiplegic migraine is uncertain. This variant was not reported in population-based cohorts in the Genome Aggregation Database (gnomAD). This amino acid position is highly conserved in available vertebrate species. This missense alteration is located in a region that has a low rate of benign missense variation (Lek, 2016; Firth, 2009). This alteration is predicted to be deleterious by in silico analysis. Based on the available evidence, this alteration is classified as likely pathogenic.

Blueprint Genetics
Classification: Uncertain significance. Last evaluated: 2024-03-07. Review status: criteria provided, single submitter. Criteria: ACMG Guidelines, 2015. Collection method: clinical testing. Allele origin: germline.